The following is an entry in ClinVar:

NM_001170700.3(DTHD1):c.2218G>T (p.Gly740Cys)

Gene: DTHD1 (death domain containing 1; plus strand). Cytogenetic location: 4p14.
Variant type: single nucleotide variant.
Coding change: c.2218G>T on transcript NM_001170700.3 (MANE Select); coding-DNA position 2218, G replaced by T.
Protein change: p.Gly740Cys; replaces glycine 740 with cysteine.
Molecular consequence: missense variant. On other transcripts: non-coding transcript variant (2).
Genome position (GRCh38, 1-based): chr4:36,316,364, G>T. VCF-style: chr4-36316364-G-T. GRCh37 (hg19) VCF-style: chr4-36317986-G-T.
Other names: c.1843G>T (NM_001170700.1); c.1348G>T, p.Gly450Cys (NM_001136536.5); c.1285G>T, p.Gly429Cys (NM_001378435.1); short protein forms G429C, G450C, G740C.
Identifiers: ClinVar variation 1471133 (VCV001471133.10), dbSNP rs371705837, ClinGen allele CA2885719.
Genomic context (GRCh38, chr4:36,316,364, plus strand): 5'-CTGGAACTCCAAATCAAAGAAGTGGACGAATTTGGAAACTATAGTTGCCCTCATTACAAA[G>T]GCACCATTGTCGTTTATAAAGTACCTAAAGGAAAGATAGTCCCCAACTTGAATCAATCTC-3'
Protein context (NP_001164171.2, residues 730-750): FGNYSCPHYK[Gly740Cys]TIVVYKVPKG

ClinVar aggregate classification (germline): Uncertain significance. Review status: criteria provided, multiple submitters, no conflicts (2 of 4 stars). 2 submissions from 2 submitters: Uncertain significance (2). Last evaluated 2025-05-21.

Allele frequency attached by ClinVar (database versions not stated): ESP Exome Variant Server 0.00022.
gnomAD v4.1: 52 of 1,551,982 alleles (0.0034%); highest among the groups gnomAD compares: Middle Eastern, 0.017%; no homozygotes.

Submissions (2):

Labcorp Genetics (formerly Invitae), Labcorp
Classification: Uncertain significance. Last evaluated: 2025-05-21. Review status: criteria provided, single submitter. Criteria: Invitae Variant Classification Sherloc (09022015). Collection method: clinical testing. Allele origin: germline.
Comment: This sequence change replaces glycine, which is neutral and non-polar, with cysteine, which is neutral and slightly polar, at codon 450 of the DTHD1 protein (p.Gly450Cys). This variant is present in population databases (rs371705837, gnomAD 0.008%). This variant has not been reported in the literature in individuals affected with DTHD1-related conditions. ClinVar contains an entry for this variant (Variation ID: 1471133). An algorithm developed to predict the effect of missense changes on protein structure and function (PolyPhen-2) suggests that this variant is likely to be disruptive. In summary, the available evidence is currently insufficient to determine the role of this variant in disease. Therefore, it has been classified as a Variant of Uncertain Significance.

Ambry Genetics
Classification: Uncertain significance. Last evaluated: 2023-04-05. Review status: criteria provided, single submitter. Criteria: Ambry Variant Classification Scheme 2023. Collection method: clinical testing. Allele origin: germline.